The following is an entry in ClinVar:

ClinVar aggregate classification (germline): Uncertain significance (3 of 4 stars; one submission).

Conditions:
Open-angle glaucoma. Identifiers: MedGen C0017612, MONDO:0005338, HP:0012108.

Submission:

ClinGen Glaucoma Variant Curation Expert Panel
Classification: Uncertain significance for Open-angle glaucoma. Last evaluated: 2026-02-04. Review status: reviewed by expert panel. Criteria: ClinGen Glaucoma ACMG Specifications V2.0.0 Approved. Collection method: curation. Allele origin: germline. Inheritance: Autosomal dominant inheritance.
Comment: The c.1317C>G variant in MYOC is a synonymous variant (p.Val439=). This variant was not found in any genetic ancestry group of gnomAD (v4.1.0), meeting the ≤ 0.0001 threshold set for PM2_Supporting in a genetic ancestry group of at least 10,000 alleles. The SpliceAI score = 0, which met the ≤ 0.1 threshold for BP4, suggesting that the variant does not impact MYOC function. This synonymous variant meets BP4, so BP7 is met. There was no functional evidence predicting a damaging or benign impact of this variant on MYOC function. Only 1 proband with primary open angle glaucoma had been reported (PMID: 10980537), not meeting the ≥ 2 probands threshold required to meet PS4_Supporting. In summary, this variant met the criteria to receive a score of -1 and to be classified as a variant of uncertain significance (uncertain significance classification range -1 to 5, adapted from PMID: 32720330) for primary open angle glaucoma based on the ACMG/AMP criteria met, as specified by the ClinGen Glaucoma VCEP (v2.0.0, 5 Dec 2024): BP4, BP7, PM2_Supporting

NM_000261.2(MYOC):c.1317C>G (p.Val439=)

Gene: MYOC (myocilin; minus strand). Cytogenetic location: 1q24.3.
Variant type: single nucleotide variant.
Coding change: c.1317C>G on transcript NM_000261.2 (MANE Select); coding-DNA position 1317, C replaced by G.
Protein change: p.Val439=; no amino-acid change (valine 439 retained).
Molecular consequence: synonymous variant.
Genome position (GRCh38, 1-based): chr1:171,636,123, G>C on the plus strand (C>G on the coding strand, the complement: MYOC is on the minus strand). VCF-style: chr1-171636123-G-C. GRCh37 (hg19) VCF-style: chr1-171605263-G-C.
Other names: NM_000261.2:c.1317C>G.
Identifiers: ClinVar variation 2442278 (VCV002442278.2), dbSNP rs2234928, ClinGen allele CA32685503.
Genomic context (GRCh38, chr1:171,636,123, plus strand): 5'-GATACCTGTGCCTGTGTCATAAGCAAAGTTGACGGTAGCATCTGCTGAGGTGTAGCTGCT[G>C]ACGGTGTACAAGGTGCCACAGATGATGAAGGCATTGGCGACTGACTGCTTACGGATGTTT-3'
Protein context (NP_000252.1, residues 429-449): AFIICGTLYT[Val439=]SSYTSADATV